The following is an entry in ClinVar:

NM_001318852.2(MAPK8IP3):c.2571C>T (p.Asn857=)

Gene: MAPK8IP3 (mitogen-activated protein kinase 8 interacting protein 3; plus strand). Cytogenetic location: 16p13.3.
Variant type: single nucleotide variant.
Coding change: c.2571C>T on transcript NM_001318852.2 (MANE Select); coding-DNA position 2571, C replaced by T.
Protein change: p.Asn857=; no amino-acid change (asparagine 857 retained).
Molecular consequence: synonymous variant.
Genome position (GRCh38, 1-based): chr16:1,766,084, C>T. VCF-style: chr16-1766084-C-T. GRCh37 (hg19) VCF-style: chr16-1816085-C-T.
Other names: c.2550C>T, p.Asn850= (NM_001040439.2); c.2568C>T, p.Asn856= (NM_015133.5).
Identifiers: ClinVar variation 4872169 (VCV004872169.3).
Genomic context (GRCh38, chr16:1,766,084, plus strand): 5'-CCCGGGCGCAGATGGCGTGCTGGCCGGTATCACCCTGGTGGGCTGTGCCACCCGCTGCAA[C>T]GTGCCGCGGAGCAACTGCTCCTCCCGAGGGGACACCCCAGTGCTAGACAAGGGGCAGGGT-3'
Protein context (NP_001305781.1, residues 847-867): ITLVGCATRC[Asn857=]VPRSNCSSRG

ClinVar aggregate classification (germline): Likely benign. Review status: criteria provided, multiple submitters, no conflicts (2 of 4 stars). 2 submissions from 2 submitters: Likely benign (2). Last evaluated 2026-06-01.

gnomAD v4.1: 192 of 1,612,702 alleles (0.012%); highest among the groups gnomAD compares: Admixed American, 0.043%; no homozygotes.

Submissions (2):

CeGaT Center for Human Genetics Tuebingen
Classification: Likely benign. Last evaluated: 2026-06-01. Review status: criteria provided, single submitter. Criteria: CeGaT Center For Human Genetics Tuebingen Variant Classification Criteria Version 2. Collection method: clinical testing. Allele origin: germline. Affected: yes. Observed: 1 variant allele.
Comment: MAPK8IP3: BP4, BP7

Blueprint Genetics
Classification: Likely benign. Last evaluated: 2024-06-07. Review status: criteria provided, single submitter. Criteria: ACMG Guidelines, 2015. Collection method: clinical testing. Allele origin: germline.